The following is an entry in ClinVar:

ClinVar aggregate classification (germline): Uncertain significance (1 of 4 stars; one submission).

Submission:

GeneDx
Classification: Uncertain significance. Last evaluated: 2025-05-21. Review status: criteria provided, single submitter. Criteria: GeneDx Variant Classification Process June 2021. Collection method: clinical testing. Allele origin: germline. Affected: yes.
Comment: Not observed at significant frequency in large population cohorts (gnomAD); In-frame deletion of one amino acid in a non-repeat region; In silico analysis supports a deleterious effect on splicing; Has not been previously published as pathogenic or benign to our knowledge; Reported using an alternate transcript of the gene

NM_194248.3(OTOF):c.5868CTT[1] (p.Phe1957del)

Gene: OTOF (otoferlin; minus strand). Cytogenetic location: 2p23.3.
Variant type: Microsatellite.
Coding change: c.5868CTT[1] on transcript NM_194248.3 (MANE Select); one copy of the 3-base unit CTT starting at c.5868; the reference has two copies in a row; one copy, 3 bases deleted.
Protein change: p.Phe1957del; deletes phenylalanine 1957.
Molecular consequence: intron variant (on NM_001287489.2).
Genome position (GRCh38, 1-based): chr2:26,460,146-26,460,148, AAG deleted on the plus strand (CTT on the coding strand, the reverse complement: OTOF is on the minus strand); deleting any 3 consecutive bases within chr2:26,460,146-26,460,151 gives the same sequence; the position shown is the placement nearest the transcript's 3' end. VCF-style (leftmost placement, unchanged base first): chr2-26460145-CAAG-C. GRCh37 (hg19) VCF-style: chr2-26683013-CAAG-C.
Other names: c.3567CTT[1], p.Phe1190del (NM_004802.4); c.3798CTT[1], p.Phe1267del (NM_194322.3); c.5813+499_5813+501del (NM_001287489.2); c.3512+499_3512+501del (NM_194323.3); short protein forms F1190del, F1267del, F1957del.
Identifiers: ClinVar variation 4530929 (VCV004530929.1).